The following is an entry in ClinVar:

ClinVar aggregate classification (germline): Uncertain significance (1 of 4 stars; one submission).

Conditions:
Hereditary cancer-predisposing syndrome. Also called: Tumor predisposition; Hereditary Cancer Syndrome; Hereditary neoplastic syndrome; Neoplastic Syndromes, Hereditary. Identifiers: Orphanet 140162, MedGen C0027672, MeSH D009386, MONDO:0015356.

Submission:

Ambry Genetics
Classification: Uncertain significance for Hereditary cancer-predisposing syndrome. Last evaluated: 2024-05-23. Review status: criteria provided, single submitter. Criteria: Ambry Variant Classification Scheme 2023. Collection method: clinical testing. Allele origin: germline.
Comment: The p.L148F variant (also known as c.442C>T), located in coding exon 4 of the DICER1 gene, results from a C to T substitution at nucleotide position 442. The leucine at codon 148 is replaced by phenylalanine, an amino acid with highly similar properties. This amino acid position is conserved. In addition, the in silico prediction for this alteration is inconclusive. Based on the available evidence, the clinical significance of this variant remains unclear.

NM_177438.3(DICER1):c.442C>T (p.Leu148Phe)

Gene: DICER1 (dicer 1, ribonuclease III; minus strand). Cytogenetic location: 14q32.13.
Variant type: single nucleotide variant.
Coding change: c.442C>T on transcript NM_177438.3 (MANE Select); coding-DNA position 442, C replaced by T.
Protein change: p.Leu148Phe; replaces leucine 148 with phenylalanine.
Molecular consequence: missense variant. On other transcripts: non-coding transcript variant (6), intron variant (1), 5 prime UTR variant (1).
Genome position (GRCh38, 1-based): chr14:95,130,189, G>A on the plus strand (C>T on the coding strand, the complement: DICER1 is on the minus strand). VCF-style: chr14-95130189-G-A. GRCh37 (hg19) VCF-style: chr14-95596526-G-A.
Other names: c.442C>T, p.Leu148Phe (NM_001395699.1, NM_001395700.1, NM_030621.4 and 14 more transcripts); c.-20-106C>T (NM_001395691.1); c.160C>T, p.Leu54Phe (NM_001395686.1); c.37C>T, p.Leu13Phe (NM_001395687.1, NM_001395688.1, NM_001395689.1 and 3 more transcripts); c.-1127C>T (NM_001395697.1); short protein forms L148F, L13F, L54F.
Identifiers: ClinVar variation 3272028 (VCV003272028.1).